The following is an entry in ClinVar:

NM_023936.2(MRPS34):c.164G>A (p.Trp55Ter)

Genes: EME2 (essential meiotic structure-specific endonuclease subunit 2; plus strand), MRPS34 (mitochondrial ribosomal protein S34; minus strand). Cytogenetic location: 16p13.3.
Variant type: single nucleotide variant.
Coding change: c.164G>A on transcript NM_023936.2 (MANE Select); coding-DNA position 164, G replaced by A.
Protein change: p.Trp55Ter; replaces tryptophan 55 with a stop codon.
Molecular consequence: nonsense. On other transcripts: 5 prime UTR variant (1).
Genome position (GRCh38, 1-based): chr16:1,772,956, C>T on the plus strand (G>A on the coding strand, the complement: MRPS34 is on the minus strand). VCF-style: chr16-1772956-C-T. GRCh37 (hg19) VCF-style: chr16-1822957-C-T.
Other names: c.-272C>T (NM_001257370.2); c.164G>A, p.Trp55Ter (NM_001300900.2); short protein forms W55*.
Identifiers: ClinVar variation 2876971 (VCV002876971.3), dbSNP rs1018543927, ClinGen allele CA394244212.

ClinVar aggregate classification (germline): Pathogenic (1 of 4 stars; one submission).

Allele frequency attached by ClinVar (database versions not stated): TOPMed below 0.00001.

Submission:

Labcorp Genetics (formerly Invitae), Labcorp
Classification: Pathogenic. Last evaluated: 2024-08-14. Review status: criteria provided, single submitter. Criteria: Invitae Variant Classification Sherloc (09022015). Collection method: clinical testing. Allele origin: germline.
Comment: This sequence change creates a premature translational stop signal (p.Trp55*) in the MRPS34 gene. It is expected to result in an absent or disrupted protein product. Loss-of-function variants in MRPS34 are known to be pathogenic (PMID: 28777931). This variant is not present in population databases (gnomAD no frequency). This variant has not been reported in the literature in individuals affected with MRPS34-related conditions. For these reasons, this variant has been classified as Pathogenic.

Literature cited by the submitters: PubMed 28777931.